The following is an entry in ClinVar:

ClinVar aggregate classification (germline): Uncertain significance (1 of 4 stars; one submission).

Conditions:
Cardiovascular phenotype. Identifiers: MedGen CN230736.

gnomAD v4.1: 1 of 1,614,136 alleles (0.000062%); highest among the groups gnomAD compares: African/African-American, 0.0013%; no homozygotes.

Submission:

Ambry Genetics
Classification: Uncertain significance for Cardiovascular phenotype. Last evaluated: 2026-03-21. Review status: criteria provided, single submitter. Criteria: Ambry Variant Classification Scheme 2023. Collection method: clinical testing. Allele origin: germline.
Comment: The p.P1425A variant (also known as c.4273C>G), located in coding exon 29 of the ABCA1 gene, results from a C to G substitution at nucleotide position 4273. The proline at codon 1425 is replaced by alanine, an amino acid with highly similar properties. This amino acid position is conserved. In addition, the in silico prediction for this alteration is inconclusive. Based on the available evidence, the clinical significance of this variant remains unclear.

NM_005502.4(ABCA1):c.4273C>G (p.Pro1425Ala)

Gene: ABCA1 (ATP binding cassette subfamily A member 1; minus strand). Cytogenetic location: 9q31.1.
Variant type: single nucleotide variant.
Coding change: c.4273C>G on transcript NM_005502.4 (MANE Select); coding-DNA position 4273, C replaced by G.
Protein change: p.Pro1425Ala; replaces proline 1425 with alanine.
Molecular consequence: missense variant.
Genome position (GRCh38, 1-based): chr9:104,809,467, G>C on the plus strand (C>G on the coding strand, the complement: ABCA1 is on the minus strand). VCF-style: chr9-104809467-G-C. GRCh37 (hg19) VCF-style: chr9-107571748-G-C.
Other names: short protein forms P1425A.
Identifiers: ClinVar variation 4867687 (VCV004867687.1).